The following is an entry in ClinVar:

NM_002485.5(NBN):c.1843T>C (p.Ser615Pro)

Gene: NBN (nibrin; minus strand). Cytogenetic location: 8q21.3.
Variant type: single nucleotide variant.
Coding change: c.1843T>C on transcript NM_002485.5 (MANE Select); coding-DNA position 1843, T replaced by C.
Protein change: p.Ser615Pro; replaces serine 615 with proline.
Molecular consequence: missense variant.
Genome position (GRCh38, 1-based): chr8:89,953,246, A>G on the plus strand (T>C on the coding strand, the complement: NBN is on the minus strand). VCF-style: chr8-89953246-A-G. GRCh37 (hg19) VCF-style: chr8-90965474-A-G.
Other names: p.Ser615Pro; c.1597T>C, p.Ser533Pro (NM_001024688.3); short protein forms S615P, S533P.
Identifiers: ClinVar variation 411782 (VCV000411782.32), dbSNP rs746632073, ClinGen allele CA4802679.

ClinVar aggregate classification (germline): Conflicting classifications of pathogenicity. Review status: criteria provided, conflicting classifications (1 of 4 stars). 11 submissions from 11 submitters: Uncertain significance (8); Likely benign (1). 2 of the submissions do not count toward it. Last evaluated 2025-09-29.

Conditions:
Aplastic anemia. Identifiers: Orphanet 182040, Orphanet 88, MedGen C0002874, MONDO:0015909, OMIM 609135, HP:0001915.
Hereditary cancer-predisposing syndrome. Also called: Hereditary neoplastic syndrome; Neoplastic Syndromes, Hereditary; Tumor predisposition; Hereditary Cancer Syndrome. Identifiers: Orphanet 140162, MedGen C0027672, MeSH D009386, MONDO:0015356.
NBN-related disorder. Also called: NBN-related condition.
Microcephaly, normal intelligence and immunodeficiency (NBS). Also called: IMMUNODEFICIENCY, MICROCEPHALY, AND CHROMOSOMAL INSTABILITY; SEEMANOVA SYNDROME II; Immunodeficiency, microcephaly with normal intelligence; Ataxia telangiectasia variant V1; Nijmegen breakage syndrome; Microcephaly with normal intelligence immunodeficiency and lymphoreticular malignancies. Identifiers: Orphanet 647, MedGen C0398791, MONDO:0009623, OMIM 251260.
Acute lymphoid leukemia (ALL). Also called: Acute lymphoblastic leukemia; Acute lymphocytic leukemia; Lymphoblastic leukemia; Leukemia, acute lymphoblastic, somatic. Identifiers: Orphanet 513, MedGen C0023449, MONDO:0004967, OMIM 613065, HP:0006721.

Allele frequency attached by ClinVar (database versions not stated): gnomAD exomes 0.00008 and 0.00002; ExAC 0.00001; gnomAD 0.00001; TOPMed 0.00002.
gnomAD v4.1: 108 of 1,594,234 alleles (0.0068%); highest among the groups gnomAD compares: Non-Finnish European, 0.0089%; no homozygotes.

Submissions (11):

Mayo Clinic Laboratories, Mayo Clinic
Classification: Uncertain significance. Last evaluated: 2025-09-29. Review status: criteria provided, single submitter. Criteria: ACMG Guidelines, 2015. Collection method: clinical testing. Allele origin: germline. Observed: 1 variant allele.
Comment: BP4_moderate

Quest Diagnostics Nichols Institute San Juan Capistrano
Classification: Uncertain significance. Last evaluated: 2025-02-14. Review status: criteria provided, single submitter. Criteria: Quest Diagnostics criteria. Collection method: clinical testing. Allele origin: unknown.
Comment: The NBN c.1843T>C (p.Ser615Pro) variant has not been reported in individuals with NBN-related conditions in the published literature. The frequency of this variant in the general population (Genome Aggregation Database) is uninformative in the assessment of its pathogenicity. Analysis of this variant using bioinformatics tools for the prediction of the effect of amino acid changes on protein structure and function yielded predictions that this variant is benign. Based on the available information, we are unable to determine the clinical significance of this variant.

Ambry Genetics
Classification: Likely benign for Hereditary cancer-predisposing syndrome. Last evaluated: 2024-11-22. Review status: criteria provided, single submitter. Criteria: Ambry Variant Classification Scheme 2023. Collection method: clinical testing. Allele origin: germline.

GeneDx
Classification: Uncertain significance. Last evaluated: 2024-05-20. Review status: criteria provided, single submitter. Criteria: GeneDx Variant Classification Process June 2021. Collection method: clinical testing. Allele origin: germline. Affected: yes.
Comment: Not observed at significant frequency in large population cohorts (gnomAD); In silico analysis indicates that this missense variant does not alter protein structure/function; Observed in an individual with unspecified cancer (PMID: 36346689); This variant is associated with the following publications: (PMID: 36346689)

Labcorp Genetics (formerly Invitae), Labcorp
Classification: Uncertain significance for Microcephaly, normal intelligence and immunodeficiency. Last evaluated: 2023-12-18. Review status: criteria provided, single submitter. Criteria: Invitae Variant Classification Sherloc (09022015). Collection method: clinical testing. Allele origin: germline.
Comment: This sequence change replaces serine, which is neutral and polar, with proline, which is neutral and non-polar, at codon 615 of the NBN protein (p.Ser615Pro). This variant is present in population databases (rs746632073, gnomAD 0.004%). This variant has not been reported in the literature in individuals affected with NBN-related conditions. ClinVar contains an entry for this variant (Variation ID: 411782). Algorithms developed to predict the effect of missense changes on protein structure and function output the following: SIFT: "Not Available"; PolyPhen-2: "Benign"; Align-GVGD: "Not Available". The proline amino acid residue is found in multiple mammalian species, which suggests that this missense change does not adversely affect protein function. In summary, the available evidence is currently insufficient to determine the role of this variant in disease. Therefore, it has been classified as a Variant of Uncertain Significance.

Baylor Genetics
Classification: Uncertain significance for Aplastic anemia. Last evaluated: 2023-08-31. Review status: criteria provided, single submitter. Criteria: ACMG Guidelines, 2015. Collection method: clinical testing. Allele origin: unknown.

Genome-Nilou Lab
Classification: Uncertain significance for Microcephaly, normal intelligence and immunodeficiency. Last evaluated: 2021-11-07. Review status: criteria provided, single submitter. Criteria: ACMG Guidelines, 2015. Collection method: clinical testing. Allele origin: germline. Affected: no.

Department of Pathology and Laboratory Medicine, Sinai Health System
Classification: Uncertain significance for Microcephaly, normal intelligence and immunodeficiency; Aplastic anemia; Acute lymphoid leukemia. Last evaluated: 2021-04-22. Review status: criteria provided, single submitter. Criteria: ACMG Guidelines, 2015. Collection method: clinical testing. Allele origin: germline. Affected: no.

Women's Health and Genetics/Laboratory Corporation of America, LabCorp
Classification: Uncertain significance. Last evaluated: 2021-01-16. Review status: criteria provided, single submitter. Criteria: LabCorp Variant Classification Summary - May 2015. Collection method: clinical testing. Allele origin: germline.
Comment: Variant summary: NBN c.1843T>C (p.Ser615Pro), located in the splice region of exon 11, close to the splice donor site of intron 11, results in a non-conservative amino acid change in the encoded protein sequence. Four of five in-silico tools predict a benign effect of the variant on protein function. 4/4 computational tools predict no significant impact on normal splicing. However, these predictions have yet to be confirmed by functional studies. The variant allele was found at a frequency of 2e-05 in 250600 control chromosomes. The available data on variant occurrences in the general population are insufficient to allow any conclusion about variant significance. To our knowledge, no occurrence of c.1843T>C in individuals affected with Nijmegen Breakage Syndrome or associated cancers and no experimental evidence demonstrating its impact on protein function have been reported. Five clinical diagnostic laboratories have submitted clinical-significance assessments for this variant to ClinVar after 2014 without evidence for independent evaluation. All laboratories classified the variant as uncertain significance. Based on the evidence outlined above, the variant was classified as uncertain significance.

PreventionGenetics, part of Exact Sciences
Classification: Uncertain significance for NBN-related condition. Last evaluated: 2024-05-28. Review status: no assertion criteria provided. Collection method: clinical testing. Allele origin: germline. Not counted in ClinVar's aggregate classification.
Comment: The NBN c.1843T>C variant is predicted to result in the amino acid substitution p.Ser615Pro. This variant was identified as a variant of uncertain significance in an individual who underwent clinical testing following cancer diagnosis (Belhadj et al 2023. PubMed ID: 36346689). This variant is reported in 0.0044% of alleles in individuals of European (Non-Finnish) descent in gnomAD and is interpreted as a variant of uncertain significance in ClinVar. At this time, the clinical significance of this variant is uncertain due to the absence of conclusive functional and genetic evidence.

Natera, Inc.
Classification: Uncertain significance for Nijmegen breakage syndrome. Last evaluated: 2020-09-16. Review status: no assertion criteria provided. Collection method: clinical testing. Allele origin: germline. Not counted in ClinVar's aggregate classification.

Literature cited by the submitters: PubMed 36346689 (cited by Mayo Clinic Laboratories, Mayo Clinic).